The following is an entry in ClinVar:

ClinVar aggregate classification (germline): Benign (0 of 4 stars; one submission).

Conditions:
CEMIP-related disorder. Also called: CEMIP-related condition.

Allele frequency attached by ClinVar (database versions not stated): ExAC 0.00108; 1000 Genomes Project 0.00319; 1000 Genomes Project 30x 0.00328; gnomAD 0.00383; ESP Exome Variant Server 0.00415; TOPMed 0.00418.
gnomAD v4.1: 1,691 of 1,613,528 alleles (0.1%); highest among the groups gnomAD compares: African/African-American, 1.3%; 13 homozygotes.

Submission:

PreventionGenetics, part of Exact Sciences
Classification: Benign for CEMIP-related condition. Last evaluated: 2019-08-28. Review status: no assertion criteria provided. Collection method: clinical testing. Allele origin: germline.
Comment: This variant is classified as benign based on ACMG/AMP sequence variant interpretation guidelines (Richards et al. 2015 PMID: 25741868, with internal and published modifications).

NM_001293298.2(CEMIP):c.2787C>T (p.Asp929=)

Gene: CEMIP (cell migration inducing hyaluronidase 1; plus strand). Cytogenetic location: 15q25.1.
Variant type: single nucleotide variant.
Coding change: c.2787C>T on transcript NM_001293298.2 (MANE Select); coding-DNA position 2787, C replaced by T.
Protein change: p.Asp929=; no amino-acid change (aspartic acid 929 retained).
Molecular consequence: synonymous variant.
Genome position (GRCh38, 1-based): chr15:80,932,033, C>T. VCF-style: chr15-80932033-C-T. GRCh37 (hg19) VCF-style: chr15-81224374-C-T.
Other names: c.2787C>T, p.Asp929= (NM_001293304.2, NM_018689.3).
Identifiers: ClinVar variation 3056179 (VCV003056179.2), dbSNP rs115866577, ClinGen allele CA7693395.